The following is an entry in ClinVar:

NM_020911.2(PLXNA4):c.4667G>A (p.Arg1556Gln)

Gene: PLXNA4 (plexin A4; minus strand). Cytogenetic location: 7q32.3.
Variant type: single nucleotide variant.
Coding change: c.4667G>A on transcript NM_020911.2 (MANE Select); coding-DNA position 4667, G replaced by A.
Protein change: p.Arg1556Gln; replaces arginine 1556 with glutamine.
Molecular consequence: missense variant.
Genome position (GRCh38, 1-based): chr7:132,148,640, C>T on the plus strand (G>A on the coding strand, the complement: PLXNA4 is on the minus strand). VCF-style: chr7-132148640-C-T. GRCh37 (hg19) VCF-style: chr7-131833399-C-T.
Other names: c.4667G>A, p.Arg1556Gln (NM_001393897.1); short protein forms R1556Q.
Identifiers: ClinVar variation 2628652 (VCV002628652.1), dbSNP rs765386768, ClinGen allele CA4489121.

ClinVar aggregate classification (germline): Uncertain significance (1 of 4 stars; one submission).

Conditions:
PLXNA4-related disorder. Also called: PLXNA4-related condition.

Allele frequency attached by ClinVar (database versions not stated): TOPMed below 0.00001; ExAC 0.00001; gnomAD 0.00001; gnomAD exomes 0.00001.
gnomAD v4.1: 18 of 1,613,964 alleles (0.0011%); highest among the groups gnomAD compares: East Asian, 0.0022%; no homozygotes.

Submission:

PreventionGenetics, part of Exact Sciences
Classification: Uncertain significance for PLXNA4-related condition. Last evaluated: 2023-08-01. Review status: criteria provided, single submitter. Criteria: ACMG Guidelines, 2015. Collection method: clinical testing. Allele origin: germline.
Comment: The PLXNA4 c.4667G>A variant is predicted to result in the amino acid substitution p.Arg1556Gln. To our knowledge, this variant has not been reported in the literature. This variant is reported in 0.0018% of alleles in individuals of European (Non-Finnish) descent in gnomAD. At this time, the clinical significance of this variant is uncertain due to the absence of conclusive functional and genetic evidence.